The following is an entry in ClinVar:

NM_021116.4(ADCY1):c.1786G>A (p.Glu596Lys)

Gene: ADCY1 (adenylate cyclase 1; plus strand). Cytogenetic location: 7p12.3.
Variant type: single nucleotide variant.
Coding change: c.1786G>A on transcript NM_021116.4 (MANE Select); coding-DNA position 1786, G replaced by A.
Protein change: p.Glu596Lys; replaces glutamic acid 596 with lysine.
Molecular consequence: missense variant.
Genome position (GRCh38, 1-based): chr7:45,678,049, G>A. VCF-style: chr7-45678049-G-A. GRCh37 (hg19) VCF-style: chr7-45717648-G-A.
Other names: short protein forms E596K.
Identifiers: ClinVar variation 2052748 (VCV002052748.5), dbSNP rs147187783, ClinGen allele CA4249027.

ClinVar aggregate classification (germline): Uncertain significance. Review status: criteria provided, multiple submitters, no conflicts (2 of 4 stars). 2 submissions from 2 submitters: Uncertain significance (2). Last evaluated 2024-07-24.

Allele frequency attached by ClinVar (database versions not stated): gnomAD 0.00019; ExAC 0.00028; TOPMed 0.00032; gnomAD exomes 0.00039; ESP Exome Variant Server 0.00046.
gnomAD v4.1: 597 of 1,613,910 alleles (0.037%); highest among the groups gnomAD compares: Non-Finnish European, 0.048%; no homozygotes.

Submissions (2):

Labcorp Genetics (formerly Invitae), Labcorp
Classification: Uncertain significance. Last evaluated: 2024-07-24. Review status: criteria provided, single submitter. Criteria: Invitae Variant Classification Sherloc (09022015). Collection method: clinical testing. Allele origin: germline.
Comment: This sequence change replaces glutamic acid, which is acidic and polar, with lysine, which is basic and polar, at codon 596 of the ADCY1 protein (p.Glu596Lys). This variant is present in population databases (rs147187783, gnomAD 0.05%), and has an allele count higher than expected for a pathogenic variant. This variant has not been reported in the literature in individuals affected with ADCY1-related conditions. ClinVar contains an entry for this variant (Variation ID: 2052748). Advanced modeling of protein sequence and biophysical properties (such as structural, functional, and spatial information, amino acid conservation, physicochemical variation, residue mobility, and thermodynamic stability) performed at Invitae indicates that this missense variant is not expected to disrupt ADCY1 protein function with a negative predictive value of 80%. In summary, the available evidence is currently insufficient to determine the role of this variant in disease. Therefore, it has been classified as a Variant of Uncertain Significance.

Blueprint Genetics
Classification: Uncertain significance. Last evaluated: 2024-07-16. Review status: criteria provided, single submitter. Criteria: ACMG Guidelines, 2015. Collection method: clinical testing. Allele origin: germline.